The following is an entry in ClinVar:

ClinVar aggregate classification (germline): Uncertain significance (1 of 4 stars; one submission).

Conditions:
Severe combined immunodeficiency due to DCLRE1C deficiency (RS-SCID). Also called: SCID, AUTOSOMAL RECESSIVE, T CELL-NEGATIVE, B CELL-NEGATIVE, NK CELL-POSITIVE, WITH SENSITIVITY TO IONIZING RADIATION. Identifiers: Orphanet 275, MedGen C1865371, MONDO:0011225, OMIM 602450.

Submission:

Labcorp Genetics (formerly Invitae), Labcorp
Classification: Uncertain significance for Athabaskan severe combined immunodeficiency. Last evaluated: 2022-05-10. Review status: criteria provided, single submitter. Criteria: Invitae Variant Classification Sherloc (09022015). Collection method: clinical testing. Allele origin: germline.
Comment: This sequence change replaces threonine, which is neutral and polar, with alanine, which is neutral and non-polar, at codon 346 of the DCLRE1C protein (p.Thr346Ala). This variant is not present in population databases (gnomAD no frequency). This variant has not been reported in the literature in individuals affected with DCLRE1C-related conditions. Algorithms developed to predict the effect of missense changes on protein structure and function output the following: SIFT: "Tolerated"; PolyPhen-2: "Benign"; Align-GVGD: "Class C0". The alanine amino acid residue is found in multiple mammalian species, which suggests that this missense change does not adversely affect protein function. In summary, the available evidence is currently insufficient to determine the role of this variant in disease. Therefore, it has been classified as a Variant of Uncertain Significance.

NM_001033855.3(DCLRE1C):c.1036A>G (p.Thr346Ala)

Gene: DCLRE1C (DNA cross-link repair 1C; minus strand). Cytogenetic location: 10p13.
Variant type: single nucleotide variant.
Coding change: c.1036A>G on transcript NM_001033855.3 (MANE Select); coding-DNA position 1036, A replaced by G.
Protein change: p.Thr346Ala; replaces threonine 346 with alanine.
Molecular consequence: missense variant. On other transcripts: non-coding transcript variant (4).
Genome position (GRCh38, 1-based): chr10:14,923,006, T>C on the plus strand (A>G on the coding strand, the complement: DCLRE1C is on the minus strand). VCF-style: chr10-14923006-T-C. GRCh37 (hg19) VCF-style: chr10-14965005-T-C.
Other names: c.676A>G, p.Thr226Ala (NM_001033857.3, NM_001033858.3, NM_001289077.2 and 2 more transcripts); c.691A>G, p.Thr231Ala (NM_001289076.2, NM_001289078.2, NM_001350966.2 and 1 more transcripts); c.1036A>G, p.Thr346Ala (NM_001350965.2); short protein forms T226A, T231A, T346A.
Identifiers: ClinVar variation 1992512 (VCV001992512.1), dbSNP rs2491845206, ClinGen allele CA376055517.